The following is an entry in ClinVar:

NM_012398.3(PIP5K1C):c.1854C>T (p.Asp618=)

Gene: PIP5K1C (phosphatidylinositol-4-phosphate 5-kinase type 1 gamma; minus strand). Cytogenetic location: 19p13.3.
Variant type: single nucleotide variant.
Coding change: c.1854C>T on transcript NM_012398.3 (MANE Select); coding-DNA position 1854, C replaced by T.
Protein change: p.Asp618=; no amino-acid change (aspartic acid 618 retained).
Molecular consequence: synonymous variant.
Genome position (GRCh38, 1-based): chr19:3,638,950, G>A on the plus strand (C>T on the coding strand, the complement: PIP5K1C is on the minus strand). VCF-style: chr19-3638950-G-A. GRCh37 (hg19) VCF-style: chr19-3638948-G-A.
Other names: c.1854C>T, p.Asp618= (NM_001195733.2, NM_001300849.2).
Identifiers: ClinVar variation 2649005 (VCV002649005.24), dbSNP rs139613589, ClinGen allele CA9082038.
Genomic context (GRCh38, chr19:3,638,950, plus strand): 5'-GATGTCGGTGGCGGGCGCGTCCTCCTCGTCCGAGGCCTGGCTGGCAGGTGCGCCCTCCTC[G>A]TCTGAGGCCTGGCTGGCAGTTTCTACTTCAACAGCAGCAGAGGCACCGGCCGGGGAAGCC-3'
Protein context (NP_036530.1, residues 608-628): VEVETASQAS[Asp618=]EEGAPASQAS

ClinVar aggregate classification (germline): Likely benign (1 of 4 stars; one submission).

Allele frequency attached by ClinVar (database versions not stated): ExAC 0.00004; TOPMed 0.00004; gnomAD 0.00005; ESP Exome Variant Server 0.00008; 1000 Genomes Project 30x 0.00016; 1000 Genomes Project 0.00020.
gnomAD v4.1: 78 of 1,612,366 alleles (0.0048%); highest among the groups gnomAD compares: African/African-American, 0.016%; no homozygotes.

Submission:

CeGaT Center for Human Genetics Tuebingen
Classification: Likely benign. Last evaluated: 2022-12-01. Review status: criteria provided, single submitter. Criteria: CeGaT Center For Human Genetics Tuebingen Variant Classification Criteria Version 2. Collection method: clinical testing. Allele origin: germline. Affected: yes. Observed: 1 variant allele.
Comment: PIP5K1C: BP4, BP7